The following is an entry in ClinVar:

NM_000245.4(MET):c.1056T>G (p.Asp352Glu)

Gene: MET (MET proto-oncogene, receptor tyrosine kinase; plus strand). Cytogenetic location: 7q31.2.
Variant type: single nucleotide variant.
Coding change: c.1056T>G on transcript NM_000245.4 (MANE Select); coding-DNA position 1056, T replaced by G.
Protein change: p.Asp352Glu; replaces aspartic acid 352 with glutamic acid.
Molecular consequence: missense variant. On other transcripts: intron variant (1).
Genome position (GRCh38, 1-based): chr7:116,700,140, T>G. VCF-style: chr7-116700140-T-G. GRCh37 (hg19) VCF-style: chr7-116340194-T-G.
Other names: c.1056T>G, p.Asp352Glu (NM_001127500.3, NM_001324401.3); c.-91+27563T>G (NM_001324402.2); short protein forms D352E.
Identifiers: ClinVar variation 1448958 (VCV001448958.9), dbSNP rs2116604421, ClinGen allele CA368970444.

ClinVar aggregate classification (germline): Uncertain significance. Review status: criteria provided, multiple submitters, no conflicts (2 of 4 stars). 2 submissions from 2 submitters: Uncertain significance (2). Last evaluated 2025-10-05.

Conditions:
Renal cell carcinoma. Identifiers: Orphanet 217071, MedGen C0007134, MeSH D002292, MONDO:0005086, HP:0005584.
Autosomal recessive nonsyndromic hearing loss 97. Also called: Deafness, autosomal recessive 97. Identifiers: Orphanet 90636, MedGen C4084709, MONDO:0014739, OMIM 616705.

Submissions (2):

Labcorp Genetics (formerly Invitae), Labcorp
Classification: Uncertain significance for Renal cell carcinoma. Last evaluated: 2025-10-05. Review status: criteria provided, single submitter. Criteria: Invitae Variant Classification Sherloc (09022015). Collection method: clinical testing. Allele origin: germline.
Comment: This sequence change replaces aspartic acid, which is acidic and polar, with glutamic acid, which is acidic and polar, at codon 352 of the MET protein (p.Asp352Glu). This variant is not present in population databases (gnomAD no frequency). This variant has not been reported in the literature in individuals affected with MET-related conditions. ClinVar contains an entry for this variant (Variation ID: 1448958). Invitae Evidence Modeling of protein sequence and biophysical properties (such as structural, functional, and spatial information, amino acid conservation, physicochemical variation, residue mobility, and thermodynamic stability) indicates that this missense variant is not expected to disrupt MET protein function with a negative predictive value of 80%. In summary, the available evidence is currently insufficient to determine the role of this variant in disease. Therefore, it has been classified as a Variant of Uncertain Significance.

Baylor Genetics
Classification: Uncertain significance for Autosomal recessive nonsyndromic hearing loss 97. Last evaluated: 2024-01-05. Review status: criteria provided, single submitter. Criteria: ACMG Guidelines, 2015. Collection method: clinical testing. Allele origin: unknown.